The following is an entry in ClinVar:

ClinVar aggregate classification (germline): Uncertain significance. Review status: criteria provided, multiple submitters, no conflicts (2 of 4 stars). 2 submissions from 2 submitters: Uncertain significance (2). Last evaluated 2024-02-21.

Conditions:
Inborn genetic diseases. Identifiers: MedGen C0950123, MeSH D030342.
PHGDH deficiency. Identifiers: Orphanet 79351, MedGen C1866174, MONDO:0011152, OMIM 601815.

Allele frequency attached by ClinVar (database versions not stated): gnomAD 0.00001 and 0.00002; ExAC 0.00002; gnomAD exomes 0.00002; TOPMed 0.00002.
gnomAD v4.1: 26 of 1,611,552 alleles (0.0016%); highest among the groups gnomAD compares: East Asian, 0.054%; no homozygotes.

Submissions (2):

Ambry Genetics
Classification: Uncertain significance for Inborn genetic diseases. Last evaluated: 2024-02-21. Review status: criteria provided, single submitter. Criteria: Ambry Variant Classification Scheme 2023. Collection method: clinical testing. Allele origin: germline.

Labcorp Genetics (formerly Invitae), Labcorp
Classification: Uncertain significance for PHGDH deficiency. Last evaluated: 2021-09-17. Review status: criteria provided, single submitter. Criteria: Invitae Variant Classification Sherloc (09022015). Collection method: clinical testing. Allele origin: germline.
Comment: This sequence change replaces alanine with valine at codon 118 of the PHGDH protein (p.Ala118Val). The alanine residue is moderately conserved and there is a small physicochemical difference between alanine and valine. This variant is present in population databases (rs780272429, ExAC 0.03%). This variant has not been reported in the literature in individuals with PHGDH-related disease. Algorithms developed to predict the effect of missense changes on protein structure and function are either unavailable or do not agree on the potential impact of this missense change (SIFT: "Deleterious"; PolyPhen-2: "Probably Damaging"; Align-GVGD: "Class C0"). Algorithms developed to predict the effect of sequence changes on RNA splicing suggest that this variant may create or strengthen a splice site, but this prediction has not been confirmed by published transcriptional studies. In summary, the available evidence is currently insufficient to determine the role of this variant in disease. Therefore, it has been classified as a Variant of Uncertain Significance.

NM_006623.4(PHGDH):c.353C>T (p.Ala118Val)

Gene: PHGDH (phosphoglycerate dehydrogenase; plus strand). Cytogenetic location: 1p12.
Variant type: single nucleotide variant.
Coding change: c.353C>T on transcript NM_006623.4 (MANE Select); coding-DNA position 353, C replaced by T.
Protein change: p.Ala118Val; replaces alanine 118 with valine.
Molecular consequence: missense variant.
Genome position (GRCh38, 1-based): chr1:119,723,438, C>T. VCF-style: chr1-119723438-C-T. GRCh37 (hg19) VCF-style: chr1-120266061-C-T.
Other names: c.353C>T (NM_006623.3); short protein forms A118V.
Identifiers: ClinVar variation 1441372 (VCV001441372.6), dbSNP rs780272429, ClinGen allele CA1037023.